The following is an entry in ClinVar:

NM_001379200.1(TBX1):c.868-12A>T

Gene: TBX1 (T-box transcription factor 1; plus strand). Cytogenetic location: 22q11.21.
Variant type: single nucleotide variant.
Coding change: c.868-12A>T on transcript NM_001379200.1 (MANE Select); 12 bases into the intron before coding-DNA position 868, A replaced by T.
Molecular consequence: intron variant.
Genome position (GRCh38, 1-based): chr22:19,765,746, A>T. VCF-style: chr22-19765746-A-T. GRCh37 (hg19) VCF-style: chr22-19753269-A-T.
Other names: c.841-12A>T (NM_005992.1, NM_080646.2, NM_080647.1).
Identifiers: ClinVar variation 4855436 (VCV004855436.1).

ClinVar aggregate classification (germline): Uncertain significance (1 of 4 stars; one submission).

Conditions:
Velocardiofacial syndrome (VCFS). Also called: SHPRINTZEN VCF SYNDROME; VCF SYNDROME; Shprintzen syndrome. Identifiers: Orphanet 567, MedGen C0220704, MONDO:0008644, OMIM 192430. Disease mechanism: loss of function.

Submission:

3billion
Classification: Uncertain significance for Velocardiofacial syndrome. Last evaluated: 2025-12-26. Review status: criteria provided, single submitter. Criteria: ACMG Guidelines, 2015. Collection method: clinical testing. Allele origin: germline. Affected: yes.
Comment: The variant is not observed in the gnomAD v4.1.0 dataset. Predicted Consequence/Location: Intron variant In silico tools predict the variant to alter splicing and produce an abnormal transcript [SpliceAI: 0.21 (>=0.2, moderate evidence for spliceogenicity)]. Therefore, this variant is classified as VUS according to the recommendation of ACMG/AMP guideline.